The following is an entry in ClinVar:

ClinVar aggregate classification (germline): Conflicting classifications of pathogenicity. Review status: criteria provided, conflicting classifications (1 of 4 stars). 2 submissions from 2 submitters: Likely pathogenic (1); Uncertain significance (1). Last evaluated 2025-05-16.

Conditions:
X-linked Alport syndrome (ATS1). Also called: COL4A5-Related Nephropathy; NEPHROPATHY AND DEAFNESS, X-LINKED. Identifiers: Orphanet 63, Orphanet 88917, MedGen C4746986, MONDO:0010520, OMIM 301050.

Submissions (2):

Victorian Clinical Genetics Services, Murdoch Childrens Research Institute
Classification: Likely pathogenic for X-linked Alport syndrome. Last evaluated: 2025-05-16. Review status: criteria provided, single submitter. Criteria: ACMG Guidelines, 2015. Collection method: clinical testing. Allele origin: germline. Affected: yes.
Comment: This variant is classified as Likely pathogenic. Evidence in support of pathogenic classification: In-frame insertion in a non-repetitive region that has moderate conservation; Variant is absent from gnomAD (v2, v3 and v4); Variant is located in the well-established triple helical G-X-Y repeat region and involves multiple glycine residues (DECIPHER). Additional information: This variant is heterozygous; This gene is associated with X-linked dominant disease. Males are typically more severely affected than females (PMID: 19965530). - Previous reports of pathogenicity for this variant are conflicting. This variant has been reported once as likely pathogenic, and twice as a VUS (ClinVar, LOVD); No published segregation evidence has been identified for this variant; No published functional evidence has been identified for this variant; No comparable inframe duplication variants have previous evidence for pathogenicity; Dominant negative and loss of function are known mechanisms of disease in this gene and are associated with X-linked Alport syndrome 1 (MIM#301050). Dominant negative is caused mostly by glycine substitutions that affect the conformation of the protein, and loss of function can be caused by missense variants or variants resulting in a premature termination codon (PMID: 24046192, 12028435); Variants in this gene are known to have variable expressivity. There is intrafamilial variability among affected females, possibly due to variable X-inactivation (PMID: 14514738); Inheritance information for this variant is not currently available in this individual.

Labcorp Genetics (formerly Invitae), Labcorp
Classification: Uncertain significance. Last evaluated: 2021-10-12. Review status: criteria provided, single submitter. Criteria: Invitae Variant Classification Sherloc (09022015). Collection method: clinical testing. Allele origin: germline.
Comment: In summary, the available evidence is currently insufficient to determine the role of this variant in disease. Therefore, it has been classified as a Variant of Uncertain Significance. Experimental studies and prediction algorithms are not available or were not evaluated, and the functional significance of this variant is currently unknown. This variant has not been reported in the literature in individuals affected with COL4A5-related conditions. This variant is not present in population databases (ExAC no frequency). This variant, c.1986_2003dup, results in the insertion of 6 amino acid(s) to the COL4A5 protein (p.Lys664_Gly669dup), but otherwise preserves the integrity of the reading frame.

Literature cited by the submitters: PubMed 19965530 (cited by Victorian Clinical Genetics Services, Murdoch Childrens Research Institute); PubMed 24046192 (cited by Victorian Clinical Genetics Services, Murdoch Childrens Research Institute); PubMed 12028435 (cited by Victorian Clinical Genetics Services, Murdoch Childrens Research Institute); PubMed 14514738 (cited by Victorian Clinical Genetics Services, Murdoch Childrens Research Institute).

NM_033380.3(COL4A5):c.1986_2003dup (p.Lys664_Gly669dup)

Gene: COL4A5 (collagen type IV alpha 5 chain; plus strand). Cytogenetic location: Xq22.3.
Variant type: Duplication.
Coding change: c.1986_2003dup on transcript NM_033380.3 (MANE Select); coding-DNA positions 1986 to 2003, 18 bases duplicated (GGGGAAGCCTGGCTTGCC).
Protein change: p.Lys664_Gly669dup.
Molecular consequence: inframe insertion.
Genome position (GRCh38, 1-based): chrX:108,601,430-108,601,447, GGGGAAGCCTGGCTTGCC duplicated; duplicating any 18 consecutive bases within chrX:108,601,427-108,601,447 gives the same sequence; the c. name uses the placement nearest the transcript's 3' end. VCF-style (leftmost placement, unchanged base first): chrX-108601426-A-AGCCGGGGAAGCCTGGCTT. GRCh37 (hg19) VCF-style: chrX-107844656-A-AGCCGGGGAAGCCTGGCTT.
Other names: c.1986_2003dup, p.Lys664_Gly669dup (NM_000495.5).
Identifiers: ClinVar variation 1469081 (VCV001469081.8), dbSNP rs2147819355, ClinGen allele CA1139771160.